The following is an entry in ClinVar:

ClinVar aggregate classification (germline): Uncertain significance (1 of 4 stars; one submission).

Conditions:
Congenital myasthenic syndrome 10. Also called: Myasthenia, limb-girdle, familial. Identifiers: Orphanet 590, MedGen C1850792, MONDO:0009690, OMIM 254300.
Fetal akinesia deformation sequence 1 (FADS1). Also called: Pena-Shokeir syndrome type I; Fetal akinesia sequence. Identifiers: Orphanet 994, MedGen C1276035, MONDO:0100101, OMIM 208150, HP:0001989.

Submission:

Labcorp Genetics (formerly Invitae), Labcorp
Classification: Uncertain significance for Congenital myasthenic syndrome 10; Fetal akinesia deformation sequence 1. Last evaluated: 2024-08-12. Review status: criteria provided, single submitter. Criteria: Invitae Variant Classification Sherloc (09022015). Collection method: clinical testing. Allele origin: germline.
Comment: This sequence change falls in intron 1 of the DOK7 gene. It does not directly change the encoded amino acid sequence of the DOK7 protein. The frequency data for this variant in the population databases is considered unreliable, as metrics indicate poor data quality at this position in the gnomAD database. This variant has not been reported in the literature in individuals affected with DOK7-related conditions. In summary, the available evidence is currently insufficient to determine the role of this variant in disease. Therefore, it has been classified as a Variant of Uncertain Significance.

NM_173660.5(DOK7):c.54+25_55-32del

Gene: DOK7 (docking protein 7; plus strand). Cytogenetic location: 4p16.3.
Variant type: Deletion.
Coding change: c.54+25_55-32del on transcript NM_173660.5 (MANE Select); 25 bases into the intron after coding-DNA position 54 through 32 bases into the intron before coding-DNA position 55, 21 bases deleted (GGGGGGGGGCGCGGGCGCGGG).
Molecular consequence: intron variant.
Genome position (GRCh38, 1-based): chr4:3,463,454-3,463,474, GGGGGGGGGCGCGGGCGCGGG deleted; deleting any 21 consecutive bases within chr4:3,463,445-3,463,474 gives the same sequence; the c. name uses the placement nearest the transcript's 3' end. VCF-style (leftmost placement, unchanged base first): chr4-3463444-GGGGCGCGGGGGGGGGGGGCGC-G. GRCh37 (hg19) VCF-style: chr4-3465171-GGGGCGCGGGGGGGGGGGGCGC-G.
Other names: c.54+25_55-32del (NM_001301071.2, NM_001363811.2, NM_001164673.2).
Identifiers: ClinVar variation 3758734 (VCV003758734.2).